The following is an entry in ClinVar:

NM_001267550.2(TTN):c.27847G>A (p.Val9283Met)

Gene: TTN (titin; minus strand). Cytogenetic location: 2q31.2.
Variant type: single nucleotide variant.
Coding change: c.27847G>A on transcript NM_001267550.2 (MANE Select); coding-DNA position 27847, G replaced by A.
Protein change: p.Val9283Met; replaces valine 9283 with methionine.
Molecular consequence: missense variant. On other transcripts: intron variant (3).
Genome position (GRCh38, 1-based): chr2:178,711,983, C>T on the plus strand (G>A on the coding strand, the complement: TTN is on the minus strand). VCF-style: chr2-178711983-C-T. GRCh37 (hg19) VCF-style: chr2-179576710-C-T.
Other names: c.26896G>A, p.Val8966Met (NM_001256850.1); c.24115G>A, p.Val8039Met (NM_133378.4); c.13282+26099G>A (NM_003319.4); c.13858+26099G>A (NM_133437.4); c.13657+26099G>A (NM_133432.3); short protein forms V8039M, V9283M, V8966M.
Identifiers: ClinVar variation 178889 (VCV000178889.19), dbSNP rs727504515, ClinGen allele CA183235.
Genomic context (GRCh38, chr2:178,711,983, plus strand): 5'-CTTTAAAAATATTGCAATCACCTTGAACGGTAAGGAAAGTTGATGCAGAAACTTCTCCCA[C>T]GCTGTTTTCAGCTTTGCAGATATATTCTCCACTATCATTAATATCAACCTGGTTGAAAAC-3'
Protein context (NP_001254479.2, residues 9273-9293): GEYICKAENS[Val9283Met]GEVSASTFLT

ClinVar aggregate classification (germline): Conflicting classifications of pathogenicity. Review status: criteria provided, conflicting classifications (1 of 4 stars). 7 submissions from 7 submitters: Uncertain significance (6); Likely benign (1). Last evaluated 2025-04-21.

Allele frequency attached by ClinVar (database versions not stated): gnomAD 0.00004 and 0.00007; TOPMed 0.00004; gnomAD exomes 0.00009 and 0.00017; ExAC 0.00018.
gnomAD v4.1: 134 of 1,608,948 alleles (0.0083%); highest among the groups gnomAD compares: South Asian, 0.08%; 1 homozygote.

Submissions (7):

ARUP Laboratories, Molecular Genetics and Genomics, ARUP Laboratories
Classification: Uncertain significance. Last evaluated: 2025-04-21. Review status: criteria provided, single submitter. Criteria: ARUP Molecular Germline Variant Investigation Process 2024. Collection method: clinical testing. Allele origin: germline.
Comment: The TTN c.27847G>A; p.Val9283Met variant (rs727504515; ClinVar Variation ID: 178889) is rare in the general population (<0.2% allele frequency in the Genome Aggregation Database) and has not been reported in the medical literature in association with dilated cardiomyopathy (DCM) or other TTN-related disease. The clinical relevance of rare missense variants in this gene, which are identified on average once per individual sequenced in affected populations (Herman 2012), is not well understood. Yet, evidence suggests that the vast majority of such missense variants do not contribute to the clinical outcome of DCM (Begay 2015). Thus, the clinical significance of the p.Val9283Met variant cannot be determined with certainty. References: Begay RL et al. Role of Titin Missense Variants in Dilated Cardiomyopathy. J Am Heart Assoc. 2015 Nov 13;4(11). PMID: 26567375. Herman DS et al. Truncations of titin causing dilated cardiomyopathy. N Engl J Med. 2012 Feb 16;366(7):619-28. PMID: 22335739.

Blueprint Genetics
Classification: Uncertain significance. Last evaluated: 2024-08-27. Review status: criteria provided, single submitter. Criteria: ACMG Guidelines, 2015. Collection method: clinical testing. Allele origin: germline.

Revvity Omics, Revvity
Classification: Uncertain significance. Last evaluated: 2024-03-20. Review status: criteria provided, single submitter. Criteria: ACMG Guidelines, 2015. Collection method: clinical testing. Allele origin: germline.

Clinical Genetics Laboratory, Skane University Hospital Lund
Classification: Uncertain significance. Last evaluated: 2023-01-19. Review status: criteria provided, single submitter. Criteria: ACMG Guidelines, 2015. Collection method: clinical testing. Allele origin: germline. Affected: yes.

GeneDx
Classification: Likely benign. Last evaluated: 2018-07-12. Review status: criteria provided, single submitter. Criteria: GeneDx Variant Classification Process June 2021. Collection method: clinical testing. Allele origin: germline. Affected: yes.

Eurofins Ntd Llc (ga)
Classification: Uncertain significance. Last evaluated: 2017-10-27. Review status: criteria provided, single submitter. Criteria: EGL Classification Definitions 2015. Collection method: clinical testing. Allele origin: germline. Observed: 3 variant alleles, 3 heterozygotes.

Laboratory for Molecular Medicine, Mass General Brigham Personalized Medicine
Classification: Uncertain significance. Last evaluated: 2013-04-21. Review status: criteria provided, single submitter. Criteria: LMM Criteria. Collection method: clinical testing. Allele origin: germline. Observed: 1 variant allele.
Comment: The Val8039Met variant in TTN has not been reported in individuals with cardiomy opathy or in large population studies. Computational analyses (biochemical amino acid properties, conservation, AlignGVGD, PolyPhen2, and SIFT) do not provide s trong support for or against an impact to the protein. Additional information is needed to fully assess the clinical significance of this variant.